The following is an entry in ClinVar:

NM_000642.3(AGL):c.3011del (p.Pro1004fs)

Gene: AGL (amylo-alpha-1,6-glucosidase and 4-alpha-glucanotransferase; plus strand). Cytogenetic location: 1p21.2.
Variant type: Deletion.
Coding change: c.3011del on transcript NM_000642.3 (MANE Select); coding-DNA position 3011, one base deleted (C; older notation c.3011delC).
Protein change: p.Pro1004fs; shifts the reading frame from proline 1004.
Molecular consequence: frameshift variant.
Genome position (GRCh38, 1-based): chr1:99,891,667, C deleted; the last of 3 consecutive C bases (chr1:99,891,665-99,891,667); deleting any one gives the same sequence. VCF-style (leftmost placement, unchanged base first): chr1-99891664-TC-T. GRCh37 (hg19) VCF-style: chr1-100357220-TC-T.
Other names: c.3011del (NM_000642.2); c.3011delC, p.Pro1004Hisfs (NM_000028.3, NM_000643.3, NM_000644.3 and 1 more transcripts); c.2963delC, p.Pro988Hisfs (NM_000646.3); c.2990delC, p.Pro997Hisfs (NM_001425326.1); c.2810delC, p.Pro937Hisfs (NM_001425327.1); c.2807delC, p.Pro936Hisfs (NM_001425328.1); c.2672delC, p.Pro891Hisfs (NM_001425329.1); c.2633delC, p.Pro878Hisfs (NM_001425332.1); short protein forms P988fs, P1004fs.
Identifiers: ClinVar variation 370197 (VCV000370197.14), dbSNP rs1057516306, ClinGen allele CA16040841.

ClinVar aggregate classification (germline): Pathogenic/Likely pathogenic. Review status: criteria provided, multiple submitters, no conflicts (2 of 4 stars). 4 submissions from 4 submitters: Pathogenic (2); Likely pathogenic (1). 1 of the submissions does not count toward it. Last evaluated 2024-01-02.

Conditions:
Glycogen storage disease type III (GSD3). Also called: Cori disease; FORBES DISEASE. Identifiers: Orphanet 366, MedGen C0017922, MONDO:0009291, OMIM 232400.

Submissions (4):

Baylor Genetics
Classification: Likely pathogenic for Glycogen storage disease type III. Last evaluated: 2024-01-02. Review status: criteria provided, single submitter. Criteria: ACMG Guidelines, 2015. Collection method: clinical testing. Allele origin: unknown.

Genome-Nilou Lab
Classification: Pathogenic for Glycogen storage disease type III. Last evaluated: 2021-07-15. Review status: criteria provided, single submitter. Criteria: ACMG Guidelines, 2015. Collection method: clinical testing. Allele origin: germline. Affected: no.

Labcorp Genetics (formerly Invitae), Labcorp
Classification: Pathogenic for Glycogen storage disease type III. Last evaluated: 2018-10-31. Review status: criteria provided, single submitter. Criteria: Invitae Variant Classification Sherloc (09022015). Collection method: clinical testing. Allele origin: germline.
Comment: For these reasons, this variant has been classified as Pathogenic. Loss-of-function variants in AGL are known to be pathogenic (PMID: 19299494). This variant has not been reported in the literature in individuals with AGL-related disease. ClinVar contains an entry for this variant (Variation ID: 370197). This variant is not present in population databases (ExAC no frequency). This sequence change creates a premature translational stop signal (p.Pro1004Hisfs*8) in the AGL gene. It is expected to result in an absent or disrupted protein product.

Counsyl
Classification: Likely pathogenic for Glycogen storage disease type III. Last evaluated: 2015-12-11. Review status: no assertion criteria provided. Collection method: clinical testing. Allele origin: unknown. Not counted in ClinVar's aggregate classification.

Literature cited by the submitters: PubMed 19299494 (cited by Labcorp Genetics (formerly Invitae), Labcorp).